The following is an entry in ClinVar:

NM_002294.3(LAMP2):c.493G>C (p.Val165Leu)

Gene: LAMP2 (lysosome associated membrane protein 2; minus strand). Cytogenetic location: Xq24.
Variant type: single nucleotide variant.
Coding change: c.493G>C on transcript NM_002294.3 (MANE Select); coding-DNA position 493, G replaced by C.
Protein change: p.Val165Leu; replaces valine 165 with leucine.
Molecular consequence: missense variant.
Genome position (GRCh38, 1-based): chrX:120,449,033, C>G on the plus strand (G>C on the coding strand, the complement: LAMP2 is on the minus strand). VCF-style: chrX-120449033-C-G. GRCh37 (hg19) VCF-style: chrX-119582888-C-G.
Other names: c.493G>C, p.Val165Leu (NM_001122606.1, NM_013995.2); short protein forms V165L.
Identifiers: ClinVar variation 3648799 (VCV003648799.2).

ClinVar aggregate classification (germline): Uncertain significance (1 of 4 stars; one submission).

Conditions:
Danon disease. Also called: ANTOPOL DISEASE; PSEUDOGLYCOGENOSIS II; GSD IIb; LYSOSOMAL GLYCOGEN STORAGE DISEASE WITHOUT ACID MALTASE DEFICIENCY; Glycogen Storage Disease Type IIb. Identifiers: Orphanet 34587, MedGen C0878677, MONDO:0010281, OMIM 300257.

Submission:

Labcorp Genetics (formerly Invitae), Labcorp
Classification: Uncertain significance for Danon disease. Last evaluated: 2024-04-04. Review status: criteria provided, single submitter. Criteria: Invitae Variant Classification Sherloc (09022015). Collection method: clinical testing. Allele origin: germline.
Comment: This sequence change replaces valine, which is neutral and non-polar, with leucine, which is neutral and non-polar, at codon 165 of the LAMP2 protein (p.Val165Leu). This variant is not present in population databases (gnomAD no frequency). This variant has not been reported in the literature in individuals affected with LAMP2-related conditions. Advanced modeling of protein sequence and biophysical properties (such as structural, functional, and spatial information, amino acid conservation, physicochemical variation, residue mobility, and thermodynamic stability) has been performed at Invitae for this missense variant, however the output from this modeling did not meet the statistical confidence thresholds required to predict the impact of this variant on LAMP2 protein function. In summary, the available evidence is currently insufficient to determine the role of this variant in disease. Therefore, it has been classified as a Variant of Uncertain Significance.